The following is an entry in ClinVar:

ClinVar aggregate classification (germline): Uncertain significance. Review status: criteria provided, multiple submitters, no conflicts (2 of 4 stars). 4 submissions from 4 submitters: Uncertain significance (4). Last evaluated 2025-03-07.

Conditions:
Hereditary cancer-predisposing syndrome. Also called: Tumor predisposition; Hereditary Cancer Syndrome; Neoplastic Syndromes, Hereditary; Hereditary neoplastic syndrome. Identifiers: Orphanet 140162, MedGen C0027672, MeSH D009386, MONDO:0015356.
Familial melanoma. Also called: Hereditary melanoma; Hereditary cutaneous melanoma. Identifiers: Orphanet 618, MedGen C1512419, MONDO:0018961.

Allele frequency attached by ClinVar (database versions not stated): gnomAD exomes below 0.00001; ExAC 0.00001; gnomAD 0.00002; TOPMed 0.00002; ESP Exome Variant Server 0.00008.
gnomAD v4.1: 5 of 1,611,668 alleles (0.00031%); highest among the groups gnomAD compares: African/African-American, 0.0067%; no homozygotes.

Submissions (4):

Quest Diagnostics Nichols Institute San Juan Capistrano
Classification: Uncertain significance. Last evaluated: 2025-03-07. Review status: criteria provided, single submitter. Criteria: Quest Diagnostics criteria. Collection method: clinical testing. Allele origin: unknown.
Comment: The CDKN2A c.400G>C (p.Ala134Pro) variant has been reported in the published literature in individuals affected with endometrial cancer (PMID: 27443514 (2016)) and pancreatic cancer (PMID: 39256447 (2024)). The frequency of this variant in the general population (Genome Aggregation Database) is uninformative in the assessment of its pathogenicity. Analysis of this variant using bioinformatics tools for the prediction of the effect of amino acid changes on protein structure and function yielded conflicting predictions that this variant is deleterious or benign. Based on the available information, we are unable to determine the clinical significance of this variant.

Labcorp Genetics (formerly Invitae), Labcorp
Classification: Uncertain significance for Familial melanoma. Last evaluated: 2025-02-10. Review status: criteria provided, single submitter. Criteria: Invitae Variant Classification Sherloc (09022015). Collection method: clinical testing. Allele origin: germline.
Comment: This sequence change replaces alanine, which is neutral and non-polar, with proline, which is neutral and non-polar, at codon 134 of the CDKN2A (p16INK4a) protein (p.Ala134Pro). This variant is present in population databases (rs372599739, gnomAD 0.007%). This missense change has been observed in individual(s) with endometrial caner (PMID: 27443514). ClinVar contains an entry for this variant (Variation ID: 495536). An algorithm developed to predict the effect of missense changes on protein structure and function (PolyPhen-2) suggests that this variant is likely to be tolerated. In summary, the available evidence is currently insufficient to determine the role of this variant in disease. Therefore, it has been classified as a Variant of Uncertain Significance.

Ambry Genetics
Classification: Uncertain significance for Hereditary cancer-predisposing syndrome. Last evaluated: 2023-08-31. Review status: criteria provided, single submitter. Criteria: Ambry Variant Classification Scheme 2023. Collection method: clinical testing. Allele origin: germline.
Comment: The p.A134P variant (also known as c.400G>C), located in coding exon 2 of the CDKN2A gene, results from a G to C substitution at nucleotide position 400. The alanine at codon 134 is replaced by proline, an amino acid with highly similar properties. In a study examining the role of CDKN2A in pancreatic cancer, this variant was seen in 1/900 African American controls but not in any pancreatic cancer cases (McWilliams RR et al. Cancer Epidemiol. Biomarkers Prev., 2018 11;27:1364-1370). This alteration has also been detected in a cohort of 381 unselected endometrial cancer patients who underwent multi-gene panel testing and classified as a variant of uncertain significance by the authors (Ring KL et al. Mod Pathol, 2016 11;29:1381-1389). This amino acid position is not well conserved in available vertebrate species. In addition, this alteration is predicted to be tolerated by in silico analysis. Since supporting evidence is limited at this time, the clinical significance of this alteration remains unclear.

Women's Health and Genetics/Laboratory Corporation of America, LabCorp
Classification: Uncertain significance. Last evaluated: 2021-10-15. Review status: criteria provided, single submitter. Criteria: LabCorp Variant Classification Summary - May 2015. Collection method: clinical testing. Allele origin: germline.
Comment: Variant summary: CDKN2A c.400G>C (p.Ala134Pro) results in a non-conservative amino acid change in the encoded protein sequence. Four of five in-silico tools predict a benign effect of the variant on protein function. The variant allele was found at a frequency of 4.1e-06 in 245336 control chromosomes. The available data on variant occurrences in the general population are insufficient to allow any conclusion about variant significance. c.400G>C has been reported in the literature as a VUS in settings of multigene cancer panel testing in at-least one individual with endometrial cancer (Ring_2016) and as a germline rare coding variant (RCV) in a cohort of controls (1/900, African American/African) but not in cases with pancreatic cancer (0/220) (McWilliams_2018). These report(s) do not provide unequivocal conclusions about association of the variant with Cutaneous Malignant Melanoma. To our knowledge, no experimental evidence demonstrating an impact on protein function has been reported. Two clinical diagnostic laboratories have submitted clinical-significance assessments for this variant to ClinVar after 2014 without evidence for independent evaluation. All laboratories classified the variant as uncertain significance. Based on the evidence outlined above, the variant was classified as uncertain significance.

Literature cited by the submitters: PubMed 27443514 (cited by 4 submitters); PubMed 39256447 (cited by Quest Diagnostics Nichols Institute San Juan Capistrano); PubMed 30038052 (cited by Ambry Genetics and Women's Health and Genetics/Laboratory Corporation of America, LabCorp).

NM_000077.5(CDKN2A):c.400G>C (p.Ala134Pro)

Gene: CDKN2A (cyclin dependent kinase inhibitor 2A; minus strand). Cytogenetic location: 9p21.3.
Variant type: single nucleotide variant.
Coding change: c.400G>C on transcript NM_000077.5; coding-DNA position 400, G replaced by C.
Protein change: p.Ala134Pro; replaces alanine 134 with proline.
Molecular consequence: missense variant (on NM_000077.6). On other transcripts: 3 prime UTR variant (2).
Genome position (GRCh38, 1-based): chr9:21,970,959, C>G on the plus strand (G>C on the coding strand, the complement: CDKN2A is on the minus strand). VCF-style: chr9-21970959-C-G. GRCh37 (hg19) VCF-style: chr9-21970958-C-G.
Other names: c.400G>C, p.Ala134Pro (NM_000077.6, NM_001195132.2); c.247G>C, p.Ala83Pro (NM_001363763.2); c.*44G>C (NM_058195.4); c.*323G>C (NM_058197.5); short protein forms A134P, A83P.
Identifiers: ClinVar variation 495536 (VCV000495536.17), dbSNP rs372599739, ClinGen allele CA5012165.
Genomic context (GRCh38, chr9:21,970,959, plus strand): 5'-CACCTGAGGGACCTTCCGCGGCATCTATGCGGGCATGGTTACTGCCTCTGGTGCCCCCCG[C>G]AGCCGCGCGCAGGTACCGTGCGACATCGCGATGGCCCAGCTCCTCAGCCAGGTCCACGGG-3'
Protein context (NP_000068.1, residues 124-144): RDVARYLRAA[Ala134Pro]GGTRGSNHAR